The following is an entry in ClinVar:

NM_001001991.3(PAMR1):c.1902T>C (p.His634=)

Gene: PAMR1 (peptidase domain containing associated with muscle regeneration 1; minus strand). Cytogenetic location: 11p13.
Variant type: single nucleotide variant.
Coding change: c.1902T>C on transcript NM_001001991.3 (MANE Select); coding-DNA position 1902, T replaced by C.
Protein change: p.His634=; no amino-acid change (histidine 634 retained).
Molecular consequence: synonymous variant.
Genome position (GRCh38, 1-based): chr11:35,432,617, A>G on the plus strand (T>C on the coding strand, the complement: PAMR1 is on the minus strand). VCF-style: chr11-35432617-A-G. GRCh37 (hg19) VCF-style: chr11-35454165-A-G.
Other names: c.1782T>C, p.His594= (NM_001282675.2); c.1569T>C, p.His523= (NM_001282676.2); c.1953T>C, p.His651= (NM_015430.4).
Identifiers: ClinVar variation 2641723 (VCV002641723.24), dbSNP rs138681708, ClinGen allele CA5947521.

ClinVar aggregate classification (germline): Likely benign (1 of 4 stars; one submission).

Allele frequency attached by ClinVar (database versions not stated): 1000 Genomes Project 30x 0.00141; 1000 Genomes Project 0.00180; TOPMed 0.00401; gnomAD 0.00474; ESP Exome Variant Server 0.00562; ExAC 0.00575; gnomAD exomes 0.00670.
gnomAD v4.1: 10,462 of 1,614,086 alleles (0.65%); highest among the groups gnomAD compares: Non-Finnish European, 0.78%; 35 homozygotes.

Submission:

CeGaT Center for Human Genetics Tuebingen
Classification: Likely benign. Last evaluated: 2022-08-01. Review status: criteria provided, single submitter. Criteria: CeGaT Center For Human Genetics Tuebingen Variant Classification Criteria Version 2. Collection method: clinical testing. Allele origin: germline. Affected: yes. Observed: 1 variant allele.
Comment: PAMR1: BP4, BP7